The following is an entry in ClinVar:

ClinVar aggregate classification (germline): Uncertain significance (1 of 4 stars; one submission).

Conditions:
Fanconi anemia (FA). Also called: Fanconi's anemia. Identifiers: Orphanet 84, MedGen C0015625, MeSH D005199, MONDO:0019391.

Submission:

Labcorp Genetics (formerly Invitae), Labcorp
Classification: Uncertain significance for Fanconi anemia. Last evaluated: 2025-04-17. Review status: criteria provided, single submitter. Criteria: Invitae Variant Classification Sherloc (09022015). Collection method: clinical testing. Allele origin: germline.
Comment: This sequence change replaces asparagine, which is neutral and polar, with aspartic acid, which is acidic and polar, at codon 1029 of the FANCD2 protein (p.Asn1029Asp). This variant is not present in population databases (gnomAD no frequency). This variant has not been reported in the literature in individuals affected with FANCD2-related conditions. Invitae Evidence Modeling of protein sequence and biophysical properties (such as structural, functional, and spatial information, amino acid conservation, physicochemical variation, residue mobility, and thermodynamic stability) has been performed for this missense variant. However, the output from this modeling did not meet the statistical confidence thresholds required to predict the impact of this variant on FANCD2 protein function. In summary, the available evidence is currently insufficient to determine the role of this variant in disease. Therefore, it has been classified as a Variant of Uncertain Significance.

NM_001018115.3(FANCD2):c.3085A>G (p.Asn1029Asp)

Gene: FANCD2 (FA complementation group D2; plus strand). Cytogenetic location: 3p25.3.
Variant type: single nucleotide variant.
Coding change: c.3085A>G on transcript NM_001018115.3 (MANE Select); coding-DNA position 3085, A replaced by G.
Protein change: p.Asn1029Asp; replaces asparagine 1029 with aspartic acid.
Molecular consequence: missense variant.
Genome position (GRCh38, 1-based): chr3:10,081,208, A>G. VCF-style: chr3-10081208-A-G. GRCh37 (hg19) VCF-style: chr3-10122892-A-G.
Other names: c.3085A>G, p.Asn1029Asp (NM_001319984.2, NM_001374254.1, NM_033084.6); c.2974A>G, p.Asn992Asp (NM_001374253.1); short protein forms N992D, N1029D.
Identifiers: ClinVar variation 4744657 (VCV004744657.1).